The following is an entry in ClinVar:

ClinVar aggregate classification (germline): Uncertain significance (1 of 4 stars; one submission).

Conditions:
Cardiovascular phenotype. Identifiers: MedGen CN230736.

Submission:

Ambry Genetics
Classification: Uncertain significance for Cardiovascular phenotype. Last evaluated: 2022-03-03. Review status: criteria provided, single submitter. Criteria: Ambry Variant Classification Scheme 2023. Collection method: clinical testing. Allele origin: germline.
Comment: The p.P2855S variant (also known as c.8563C>T), located in coding exon 24 of the TNXB gene, results from a C to T substitution at nucleotide position 8563. The proline at codon 2855 is replaced by serine, an amino acid with similar properties. This amino acid position is conserved. In addition, this alteration is predicted to be tolerated by in silico analysis. Since supporting evidence is limited at this time, the clinical significance of this alteration remains unclear.

NM_001365276.2(TNXB):c.8569C>T (p.Pro2857Ser)

Gene: TNXB (tenascin XB; minus strand). Cytogenetic location: 6p21.33.
Variant type: single nucleotide variant.
Coding change: c.8569C>T on transcript NM_001365276.2 (MANE Select); coding-DNA position 8569, C replaced by T.
Protein change: p.Pro2857Ser; replaces proline 2857 with serine.
Molecular consequence: missense variant.
Genome position (GRCh38, 1-based): chr6:32,053,610, G>A on the plus strand (C>T on the coding strand, the complement: TNXB is on the minus strand). VCF-style: chr6-32053610-G-A. GRCh37 (hg19) VCF-style: chr6-32021387-G-A.
Other names: c.8563C>T, p.Pro2855Ser (NM_019105.8); short protein forms P2855S, P2857S.
Identifiers: ClinVar variation 1763872 (VCV001763872.2), dbSNP rs774545672, ClinGen allele CA363547211.